The following is an entry in ClinVar:

NM_001127898.4(CLCN5):c.1773TGT[1] (p.Val593del)

Genes: CLCN5 (Cl-/H+ antiporter 5; plus strand), LOC126863258 (BRD4-independent group 4 enhancer GRCh37_chrX:49854497-49855696; plus strand). Cytogenetic location: Xp11.23.
Variant type: Microsatellite.
Coding change: c.1773TGT[1] on transcript NM_001127898.4 (MANE Select); one copy of the 3-base unit TGT starting at c.1773; the reference has two copies in a row; one copy, 3 bases deleted.
Protein change: p.Val593del; deletes valine 593.
Molecular consequence: inframe deletion.
Genome position (GRCh38, 1-based): chrX:50,090,147-50,090,149, TGT deleted; deleting any 3 consecutive bases within chrX:50,090,143-50,090,149 gives the same sequence; the position shown is the placement nearest the transcript's 3' end. VCF-style (leftmost placement, unchanged base first): chrX-50090142-CTTG-C. GRCh37 (hg19) VCF-style: chrX-49854799-CTTG-C.
Other names: c.1563TGT[1], p.Val523del (NM_000084.5); c.1773TGT[1], p.Val593del (NM_001127899.4); c.1623TGT[1], p.Val543del (NM_001282163.2); short protein forms V523del, V543del, V593del.
Identifiers: ClinVar variation 2499136 (VCV002499136.31), dbSNP rs2519444458, ClinGen allele CA2580617051.

ClinVar aggregate classification (germline): Pathogenic. Review status: criteria provided, multiple submitters, no conflicts (2 of 4 stars). 2 submissions from 2 submitters: Pathogenic (2). Last evaluated 2024-04-05.

Submissions (2):

Labcorp Genetics (formerly Invitae), Labcorp
Classification: Pathogenic. Last evaluated: 2024-04-05. Review status: criteria provided, single submitter. Criteria: Invitae Variant Classification Sherloc (09022015). Collection method: clinical testing. Allele origin: germline.
Comment: This variant, c.1566_1568del, results in the deletion of 1 amino acid(s) of the CLCN5 protein (p.Val523del), but otherwise preserves the integrity of the reading frame. This variant is not present in population databases (gnomAD no frequency). This variant has been observed in individuals with Dent disease (PMID: 19546591, 24081861, 25907713, 31328266). This variant is also known as 523delVal, p.V592_V593delinsV, or p.Val522del. Algorithms developed to predict the effect of variants on protein structure and function are not available or were not evaluated for this variant. Experimental studies have shown that this variant affects CLCN5 function (PMID: 19546591, 33987651). For these reasons, this variant has been classified as Pathogenic.

CeGaT Center for Human Genetics Tuebingen
Classification: Pathogenic. Last evaluated: 2023-05-01. Review status: criteria provided, single submitter. Criteria: CeGaT Center For Human Genetics Tuebingen Variant Classification Criteria Version 2. Collection method: clinical testing. Allele origin: germline. Affected: yes. Observed: 2 variant alleles.
Comment: CLCN5: PM2, PM6, PS3:Moderate, PS4:Moderate, PM4:Supporting, PP4

Literature cited by the submitters: PubMed 19546591 (cited by Labcorp Genetics (formerly Invitae), Labcorp); PubMed 24081861 (cited by Labcorp Genetics (formerly Invitae), Labcorp); PubMed 25907713 (cited by Labcorp Genetics (formerly Invitae), Labcorp); PubMed 31328266 (cited by Labcorp Genetics (formerly Invitae), Labcorp); PubMed 33987651 (cited by Labcorp Genetics (formerly Invitae), Labcorp).